The following is an entry in ClinVar:

NM_000465.4(BARD1):c.1411C>T (p.His471Tyr)

Gene: BARD1 (BRCA1 associated RING domain 1; minus strand). Cytogenetic location: 2q35.
Variant type: single nucleotide variant.
Coding change: c.1411C>T on transcript NM_000465.4 (MANE Select); coding-DNA position 1411, C replaced by T.
Protein change: p.His471Tyr; replaces histidine 471 with tyrosine.
Molecular consequence: missense variant. On other transcripts: non-coding transcript variant (3), intron variant (3).
Genome position (GRCh38, 1-based): chr2:214,767,639, G>A on the plus strand (C>T on the coding strand, the complement: BARD1 is on the minus strand). VCF-style: chr2-214767639-G-A. GRCh37 (hg19) VCF-style: chr2-215632363-G-A.
Other names: c.1354C>T, p.His452Tyr (NM_001282543.2); c.159-15084C>T (NM_001282548.2); c.216-15084C>T (NM_001282545.2); c.364+24658C>T (NM_001282549.2); short protein forms H471Y, H452Y.
Identifiers: ClinVar variation 482805 (VCV000482805.15), dbSNP rs867587389, ClinGen allele CA64780077.

ClinVar aggregate classification (germline): Uncertain significance. Review status: criteria provided, multiple submitters, no conflicts (2 of 4 stars). 3 submissions from 3 submitters: Uncertain significance (3). Last evaluated 2025-05-19.

Conditions:
Hereditary cancer-predisposing syndrome. Also called: Neoplastic Syndromes, Hereditary; Tumor predisposition; Hereditary Cancer Syndrome; Hereditary neoplastic syndrome. Identifiers: Orphanet 140162, MedGen C0027672, MeSH D009386, MONDO:0015356.
Familial cancer of breast. Also called: BREAST CANCER, FAMILIAL; Hereditary breast cancer; hereditary breast carcinoma. Identifiers: Orphanet 227535, MedGen C0346153, MONDO:0016419, OMIM 114480. Disease mechanism: loss of function.

Allele frequency attached by ClinVar (database versions not stated): gnomAD exomes below 0.00001 and 0.00001; TOPMed below 0.00001.
gnomAD v4.1: 10 of 1,613,980 alleles (0.00062%); highest among the groups gnomAD compares: Non-Finnish European, 0.00085%; no homozygotes.

Submissions (3):

Labcorp Genetics (formerly Invitae), Labcorp
Classification: Uncertain significance for Familial cancer of breast. Last evaluated: 2025-05-19. Review status: criteria provided, single submitter. Criteria: Invitae Variant Classification Sherloc (09022015). Collection method: clinical testing. Allele origin: germline.
Comment: This sequence change replaces histidine, which is basic and polar, with tyrosine, which is neutral and polar, at codon 471 of the BARD1 protein (p.His471Tyr). This variant is present in population databases (no rsID available, gnomAD 0.0009%). This missense change has been observed in individual(s) with ovarian cancer (PMID: 26315354). ClinVar contains an entry for this variant (Variation ID: 482805). An algorithm developed to predict the effect of missense changes on protein structure and function (PolyPhen-2) suggests that this variant is likely to be disruptive. In summary, the available evidence is currently insufficient to determine the role of this variant in disease. Therefore, it has been classified as a Variant of Uncertain Significance.

Department of Pathology and Laboratory Medicine, Sinai Health System
Classification: Uncertain significance for Familial cancer of breast. Last evaluated: 2023-03-09. Review status: criteria provided, single submitter. Criteria: ACMG Guidelines, 2015. Collection method: clinical testing. Allele origin: germline. Affected: yes.

Ambry Genetics
Classification: Uncertain significance for Hereditary cancer-predisposing syndrome. Last evaluated: 2022-04-13. Review status: criteria provided, single submitter. Criteria: Ambry Variant Classification Scheme 2023. Collection method: clinical testing. Allele origin: germline.
Comment: The p.H471Y variant (also known as c.1411C>T), located in coding exon 6 of the BARD1 gene, results from a C to T substitution at nucleotide position 1411. The histidine at codon 471 is replaced by tyrosine, an amino acid with similar properties. This variant was found in 1/3236 epthelial ovarian cancer cases and 0/3431 unaffected controls (Ramus SJ et al. J. Natl. Cancer Inst. 2015 Nov;107(11)). This amino acid position is not well conserved in available vertebrate species. In addition, this alteration is predicted to be tolerated by in silico analysis. Since supporting evidence is limited at this time, the clinical significance of this alteration remains unclear.

Literature cited by the submitters: PubMed 26315354 (cited by 3 submitters).